The following is an entry in ClinVar:

ClinVar aggregate classification (germline): Uncertain significance (1 of 4 stars; one submission).

Conditions:
Myopathy, centronuclear, 2 (CNM2). Also called: MYOTUBULAR MYOPATHY, AUTOSOMAL RECESSIVE. Identifiers: Orphanet 169186, MedGen CN031787, MONDO:0009709, OMIM 255200.

Allele frequency attached by ClinVar (database versions not stated): gnomAD exomes 0.00002; ExAC 0.00006.
gnomAD v4.1: 28 of 1,580,566 alleles (0.0018%); highest among the groups gnomAD compares: South Asian, 0.012%; 1 homozygote.

Submission:

Labcorp Genetics (formerly Invitae), Labcorp
Classification: Uncertain significance for Myopathy, centronuclear, 2. Last evaluated: 2024-10-23. Review status: criteria provided, single submitter. Criteria: Invitae Variant Classification Sherloc (09022015). Collection method: clinical testing. Allele origin: germline.
Comment: This sequence change replaces proline, which is neutral and non-polar, with leucine, which is neutral and non-polar, at codon 318 of the BIN1 protein (p.Pro318Leu). This variant is present in population databases (rs754834233, gnomAD 0.02%), including at least one homozygous and/or hemizygous individual. This variant has not been reported in the literature in individuals affected with BIN1-related conditions. ClinVar contains an entry for this variant (Variation ID: 2203140). Invitae Evidence Modeling of protein sequence and biophysical properties (such as structural, functional, and spatial information, amino acid conservation, physicochemical variation, residue mobility, and thermodynamic stability) indicates that this missense variant is not expected to disrupt BIN1 protein function with a negative predictive value of 80%. In summary, the available evidence is currently insufficient to determine the role of this variant in disease. Therefore, it has been classified as a Variant of Uncertain Significance.

NM_139343.3(BIN1):c.953C>T (p.Pro318Leu)

Gene: BIN1 (bridging integrator 1; minus strand). Cytogenetic location: 2q14.3.
Variant type: single nucleotide variant.
Coding change: c.953C>T on transcript NM_139343.3 (MANE Select); coding-DNA position 953, C replaced by T.
Protein change: p.Pro318Leu; replaces proline 318 with leucine.
Molecular consequence: missense variant.
Genome position (GRCh38, 1-based): chr2:127,059,060, G>A on the plus strand (C>T on the coding strand, the complement: BIN1 is on the minus strand). VCF-style: chr2-127059060-G-A. GRCh37 (hg19) VCF-style: chr2-127816636-G-A.
Other names: c.905C>T, p.Pro302Leu (NM_001320632.2, NM_004305.4, NM_139346.3); c.953C>T, p.Pro318Leu (NM_001320633.2, NM_001320640.2, NM_139344.3 and 1 more transcripts); c.788C>T, p.Pro263Leu (NM_001320634.1); c.860C>T, p.Pro287Leu (NM_001320641.2, NM_139347.3, NM_139348.3 and 3 more transcripts); c.872C>T, p.Pro291Leu (NM_001320642.1); short protein forms P302L, P318L, P287L, P291L, P263L.
Identifiers: ClinVar variation 2203140 (VCV002203140.4), dbSNP rs754834233, ClinGen allele CA1857228.